The following is an entry in ClinVar:

NM_022124.6(CDH23):c.5055C>T (p.Ile1685=)

Gene: CDH23 (cadherin related 23; plus strand). Cytogenetic location: 10q22.1.
Variant type: single nucleotide variant.
Coding change: c.5055C>T on transcript NM_022124.6 (MANE Select); coding-DNA position 5055, C replaced by T.
Protein change: p.Ile1685=; no amino-acid change (isoleucine 1685 retained).
Molecular consequence: synonymous variant.
Genome position (GRCh38, 1-based): chr10:71,777,889, C>T. VCF-style: chr10-71777889-C-T. GRCh37 (hg19) VCF-style: chr10-73537646-C-T.
Identifiers: ClinVar variation 735060 (VCV000735060.13), dbSNP rs377269771, ClinGen allele CA5545616.

ClinVar aggregate classification (germline): Likely benign. Review status: criteria provided, multiple submitters, no conflicts (2 of 4 stars). 4 submissions from 4 submitters: Likely benign (3). 1 of the submissions does not count toward it. Last evaluated 2026-01-22.

Conditions:
CDH23-related disorder. Also called: CDH23-related disorders; CDH23-related condition.
Usher syndrome type 1 (USH1). Also called: RETINITIS PIGMENTOSA AND CONGENITAL DEAFNESS. Identifiers: Orphanet 231169, Orphanet 886, MedGen C1568247, MONDO:0010168, OMIM 276900.

Allele frequency attached by ClinVar (database versions not stated): TOPMed 0.00005; gnomAD 0.00013.
gnomAD v4.1: 92 of 1,613,740 alleles (0.0057%); highest among the groups gnomAD compares: African/African-American, 0.011%; no homozygotes.

Submissions (4):

Labcorp Genetics (formerly Invitae), Labcorp
Classification: Likely benign. Last evaluated: 2026-01-22. Review status: criteria provided, single submitter. Criteria: Invitae Variant Classification Sherloc (09022015). Collection method: clinical testing. Allele origin: germline.

PreventionGenetics, part of Exact Sciences
Classification: Likely benign for CDH23-related condition. Last evaluated: 2025-05-20. Review status: criteria provided, single submitter. Criteria: ACMG Guidelines, 2015. Collection method: clinical testing. Allele origin: germline.
Comment: This variant is classified as likely benign based on ACMG/AMP sequence variant interpretation guidelines (Richards et al. 2015 PMID: 25741868, with internal and published modifications).

Blueprint Genetics
Classification: Likely benign. Last evaluated: 2024-11-21. Review status: criteria provided, single submitter. Criteria: ACMG Guidelines, 2015. Collection method: clinical testing. Allele origin: germline.

Natera, Inc.
Classification: Likely benign for Usher syndrome type 1. Last evaluated: 2020-04-16. Review status: no assertion criteria provided. Collection method: clinical testing. Allele origin: germline. Not counted in ClinVar's aggregate classification.